The following is an entry in ClinVar:

ClinVar aggregate classification (germline): Uncertain significance. Review status: criteria provided, multiple submitters, no conflicts (2 of 4 stars). 2 submissions from 2 submitters: Uncertain significance (2). Last evaluated 2021-12-13.

Conditions:
Hereditary cancer-predisposing syndrome. Also called: Tumor predisposition; Neoplastic Syndromes, Hereditary; Hereditary Cancer Syndrome; Hereditary neoplastic syndrome. Identifiers: Orphanet 140162, MedGen C0027672, MeSH D009386, MONDO:0015356.
Ataxia-telangiectasia syndrome (AT). Also called: Ataxia-telangiectasia; LOUIS-BAR SYNDROME; Ataxia-telangiectasia, complementation group D; AT, COMPLEMENTATION GROUP C; ATAXIA-TELANGIECTASIA, COMPLEMENTATION GROUP A; ATAXIA-TELANGIECTASIA, FRESNO VARIANT. Identifiers: Orphanet 100, MedGen C0004135, MONDO:0008840, OMIM 208900.

Submissions (2):

Ambry Genetics
Classification: Uncertain significance for Hereditary cancer-predisposing syndrome. Last evaluated: 2021-12-13. Review status: criteria provided, single submitter. Criteria: Ambry Variant Classification Scheme 2023. Collection method: clinical testing. Allele origin: germline.
Comment: The p.Y2009C variant (also known as c.6026A>G), located in coding exon 40 of the ATM gene, results from an A to G substitution at nucleotide position 6026. The tyrosine at codon 2009 is replaced by cysteine, an amino acid with highly dissimilar properties. This amino acid position is conserved. In addition, the in silico prediction for this alteration is inconclusive. Since supporting evidence is limited at this time, the clinical significance of this alteration remains unclear.

Labcorp Genetics (formerly Invitae), Labcorp
Classification: Uncertain significance for Ataxia-telangiectasia syndrome. Last evaluated: 2021-06-17. Review status: criteria provided, single submitter. Criteria: Invitae Variant Classification Sherloc (09022015). Collection method: clinical testing. Allele origin: germline.
Comment: In summary, the available evidence is currently insufficient to determine the role of this variant in disease. Therefore, it has been classified as a Variant of Uncertain Significance. Advanced modeling of protein sequence and biophysical properties (such as structural, functional, and spatial information, amino acid conservation, physicochemical variation, residue mobility, and thermodynamic stability) performed at Invitae indicates that this missense variant is not expected to disrupt ATM protein function. This variant has not been reported in the literature in individuals with ATM-related conditions. This variant is not present in population databases (ExAC no frequency). This sequence change replaces tyrosine with cysteine at codon 2009 of the ATM protein (p.Tyr2009Cys). The tyrosine residue is highly conserved and there is a large physicochemical difference between tyrosine and cysteine.

NM_000051.4(ATM):c.6026A>G (p.Tyr2009Cys)

Genes: ATM (ATM serine/threonine kinase; plus strand), C11orf65 (chromosome 11 open reading frame 65; minus strand). Cytogenetic location: 11q22.3.
Variant type: single nucleotide variant.
Coding change: c.6026A>G on transcript NM_000051.4 (MANE Select); coding-DNA position 6026, A replaced by G.
Protein change: p.Tyr2009Cys; replaces tyrosine 2009 with cysteine.
Molecular consequence: missense variant. On other transcripts: intron variant (2).
Genome position (GRCh38, 1-based): chr11:108,315,842, A>G. VCF-style: chr11-108315842-A-G. GRCh37 (hg19) VCF-style: chr11-108186569-A-G.
Other names: c.6026A>G, p.Tyr2009Cys (NM_001351834.2); c.641-6771T>C (NM_001330368.2); c.*39-6771T>C (NM_001351110.2); short protein forms Y2009C.
Identifiers: ClinVar variation 1361918 (VCV001361918.11), dbSNP rs2136118434, ClinGen allele CA382549868.
Genomic context (GRCh38, chr11:108,315,842, plus strand): 5'-TTTTTTTCCTTCTTCAATTTTTGTTGTTTCCATGTTTTCAGGATCTTCTCTTAGAAATCT[A>G]CAGAAGTATAGGGGAGCCAGATAGTTTGTATGGCTGTGGTGGAGGGAAGATGTTACAACC-3'
Protein context (NP_000042.3, residues 1999-2019): ISLQDLLLEI[Tyr2009Cys]RSIGEPDSLY